The following is an entry in ClinVar:

ClinVar aggregate classification (germline): Uncertain significance (1 of 4 stars; one submission).

Conditions:
Familial sleep-related hypermotor epilepsy. Also called: Autosomal Dominant Sleep-Related Hypermotor (Hyperkinetic) Epilepsy. Identifiers: Orphanet 98784, MedGen C3696898, MONDO:0000030.

Submission:

Labcorp Genetics (formerly Invitae), Labcorp
Classification: Uncertain significance. Last evaluated: 2025-07-02. Review status: criteria provided, single submitter. Criteria: Invitae Variant Classification Sherloc (09022015). Collection method: clinical testing. Allele origin: germline.
Comment: This sequence change creates a premature translational stop signal (p.Glu414Argfs*76) in the CHRNA2 gene. While this is not anticipated to result in nonsense mediated decay, it is expected to disrupt the last 116 amino acid(s) of the CHRNA2 protein. This variant is present in population databases (no rsID available, gnomAD 0.007%). This variant has not been reported in the literature in individuals affected with CHRNA2-related conditions. ClinVar contains an entry for this variant (Variation ID: 858490). In summary, the available evidence is currently insufficient to determine the role of this variant in disease. Therefore, it has been classified as a Variant of Uncertain Significance.

NM_000742.4(CHRNA2):c.1240del (p.Glu414fs)

Gene: CHRNA2 (cholinergic receptor nicotinic alpha 2 subunit; minus strand). Cytogenetic location: 8p21.2.
Variant type: Deletion.
Coding change: c.1240del on transcript NM_000742.4 (MANE Select); coding-DNA position 1240, one base deleted (G; older notation c.1240delG).
Protein change: p.Glu414fs; shifts the reading frame from glutamic acid 414.
Molecular consequence: frameshift variant.
Genome position (GRCh38, 1-based): chr8:27,463,203, C deleted on the plus strand (G on the coding strand, the reverse complement: CHRNA2 is on the minus strand); the first of 3 consecutive C bases (chr8:27,463,203-27,463,205); deleting any one gives the same sequence. VCF-style (leftmost placement, unchanged base first): chr8-27463202-TC-T. GRCh37 (hg19) VCF-style: chr8-27320719-TC-T.
Other names: c.1195del, p.Glu399fs (NM_001282455.2); c.763del, p.Glu255fs (NM_001347705.2, NM_001347706.2); c.646del, p.Glu216fs (NM_001347707.2, NM_001347708.2); short protein forms E216fs, E414fs, E255fs, E399fs.
Identifiers: ClinVar variation 858490 (VCV000858490.8), dbSNP rs1360369489, ClinGen allele CA460186172.